The following is an entry in ClinVar:

ClinVar aggregate classification (germline): Conflicting classifications of pathogenicity. Review status: criteria provided, conflicting classifications (1 of 4 stars). 2 submissions from 2 submitters: Uncertain significance (1); Likely benign (1). Last evaluated 2023-08-04.

Conditions:
Dyskeratosis congenita. Identifiers: Orphanet 1775, MedGen C0265965, MONDO:0015780.

gnomAD v4.1: 8 of 1,613,288 alleles (0.0005%); highest among the groups gnomAD compares: Admixed American, 0.005%; no homozygotes.

Submissions (2):

Blueprint Genetics
Classification: Likely benign. Last evaluated: 2023-08-04. Review status: criteria provided, single submitter. Criteria: ACMG Guidelines, 2015. Collection method: clinical testing. Allele origin: germline.

Labcorp Genetics (formerly Invitae), Labcorp
Classification: Uncertain significance for Dyskeratosis congenita. Last evaluated: 2021-03-07. Review status: criteria provided, single submitter. Criteria: Invitae Variant Classification Sherloc (09022015). Collection method: clinical testing. Allele origin: germline.
Comment: This variant has not been reported in the literature in individuals with CTC1-related conditions. This sequence change falls in intron 15 of the CTC1 gene. It does not directly change the encoded amino acid sequence of the CTC1 protein. It affects a nucleotide within the consensus splice site of the intron. This variant is not present in population databases (ExAC no frequency). Nucleotide substitutions within the consensus splice site are a relatively common cause of aberrant splicing (PMID: 17576681, 9536098). Algorithms developed to predict the effect of sequence changes on RNA splicing suggest that this variant is not likely to affect RNA splicing, but this prediction has not been confirmed by published transcriptional studies. In summary, the available evidence is currently insufficient to determine the role of this variant in disease. Therefore, it has been classified as a Variant of Uncertain Significance.

Literature cited by the submitters: PubMed 17576681 (cited by Labcorp Genetics (formerly Invitae), Labcorp); PubMed 9536098 (cited by Labcorp Genetics (formerly Invitae), Labcorp).

NM_025099.6(CTC1):c.2670-3C>T

Gene: CTC1 (CST telomere replication complex component 1; minus strand). Cytogenetic location: 17p13.1.
Variant type: single nucleotide variant.
Coding change: c.2670-3C>T on transcript NM_025099.6 (MANE Select); 3 bases into the intron before coding-DNA position 2670, C replaced by T.
Molecular consequence: intron variant.
Genome position (GRCh38, 1-based): chr17:8,230,654, G>A on the plus strand (C>T on the coding strand, the complement: CTC1 is on the minus strand). VCF-style: chr17-8230654-G-A. GRCh37 (hg19) VCF-style: chr17-8133972-G-A.
Identifiers: ClinVar variation 1429426 (VCV001429426.7), dbSNP rs765650487, ClinGen allele CA624869489.